The following is an entry in ClinVar:

ClinVar aggregate classification (germline): Uncertain significance (1 of 4 stars; one submission).

Conditions:
Inborn genetic diseases. Identifiers: MedGen C0950123, MeSH D030342.

gnomAD v4.1: 1 of 1,611,458 alleles (0.000062%); highest among the groups gnomAD compares: Non-Finnish European, 0.000085%; no homozygotes.

Submission:

Ambry Genetics
Classification: Uncertain significance for Inborn genetic diseases. Last evaluated: 2026-03-02. Review status: criteria provided, single submitter. Criteria: Ambry Variant Classification Scheme 2023. Collection method: clinical testing. Allele origin: germline.
Comment: The c.3025G>A (p.G1009R) alteration is located in exon 17 (coding exon 16) of the ADGRL1 gene. This alteration results from a G to A substitution at nucleotide position 3025, causing the glycine (G) at amino acid position 1009 to be replaced by an arginine (R). Based on data from gnomAD, the A allele has an overall frequency of <0.001% (0/246976) total alleles studied. The highest observed frequency was <0.001% (/) of alleles. Based on insufficient or conflicting evidence, the clinical significance of this alteration remains unclear.

NM_014921.5(ADGRL1):c.3010G>A (p.Gly1004Arg)

Genes: ADGRL1 (adhesion G protein-coupled receptor L1; minus strand), ADGRL1-AS1 (ADGRL1 antisense RNA 1; plus strand). Cytogenetic location: 19p13.12.
Variant type: single nucleotide variant.
Coding change: c.3010G>A on transcript NM_014921.5 (MANE Select); coding-DNA position 3010, G replaced by A.
Protein change: p.Gly1004Arg; replaces glycine 1004 with arginine.
Molecular consequence: missense variant.
Genome position (GRCh38, 1-based): chr19:14,156,681, C>T on the plus strand (G>A on the coding strand, the complement: ADGRL1 is on the minus strand). VCF-style: chr19-14156681-C-T. GRCh37 (hg19) VCF-style: chr19-14267493-C-T.
Other names: c.3025G>A, p.Gly1009Arg (NM_001008701.3); short protein forms G1004R, G1009R.
Identifiers: ClinVar variation 4840822 (VCV004840822.1).